The following is an entry in ClinVar:

NM_014049.4(ACAD9):c.[1595G>A];[976G>A]

Variant type: CompoundHeterozygote.
Identifiers: ClinVar variation 424747 (VCV000424747.3).

ClinVar aggregate classification (germline): Pathogenic (0 of 4 stars; one submission).

Conditions:
Acyl-CoA dehydrogenase 9 deficiency. Also called: Acyl-CoA dehydrogenase family, member 9, deficiency of; MITOCHONDRIAL COMPLEX I DEFICIENCY, NUCLEAR TYPE 20. Identifiers: Orphanet 99901, MedGen C4747517, MONDO:0012624, OMIM 611126.

Submission:

Institut IMAGINE, Institut National de la Sante et de la Recherche Medicale
Classification: Pathogenic for cardiac hypertrophy. Last evaluated: 2015-08-26. Review status: no assertion criteria provided. Collection method: clinical testing. Allele origin: germline. Inheritance: Autosomal recessive inheritance. Affected: yes. Observed: 1 variant allele.
Comment: predicted to be deleterious using three different prediction softwares, namely SIFT, MutationTaster and Polyphen-2